The following is an entry in ClinVar:

NM_007294.4(BRCA1):c.68_69dup (p.Cys24fs)

Gene: BRCA1 (BRCA1 DNA repair associated; minus strand). Cytogenetic location: 17q21.31.
Variant type: Microsatellite.
Coding change: c.68_69dup on transcript NM_007294.4 (MANE Select); coding-DNA positions 68 to 69, 2 bases duplicated (AG; older notation c.68_69dupAG).
Protein change: p.Cys24fs; shifts the reading frame from cysteine 24.
Molecular consequence: frameshift variant. On other transcripts: 5 prime UTR variant (1), non-coding transcript variant (1).
Genome position (GRCh38, 1-based): chr17:43,124,028-43,124,029, CT duplicated on the plus strand (AG on the coding strand, the reverse complement: BRCA1 is on the minus strand); duplicating any 2 consecutive bases within chr17:43,124,028-43,124,031 gives the same sequence; the c. name uses the placement nearest the transcript's 3' end. VCF-style (leftmost placement, unchanged base first): chr17-43124027-A-ACT. GRCh37 (hg19) VCF-style: chr17-41276044-A-ACT.
Other names: 188insAG; c.68_69dupAG (NM_007294.3); c.-123_-122AG[3] (NM_001407571.1, NM_001407853.1, NM_001407879.1 and 46 more transcripts); c.66_67AG[3], p.Cys24Serfs (NM_001407581.1, NM_001407582.1, NM_001407583.1 and 191 more transcripts); c.-192_-191AG[3] (NM_001407694.1, NM_001407724.1, NM_001407727.1 and 11 more transcripts); c.-196_-195AG[3] (NM_001407695.1, NM_001408465.1); c.-337_-336AG[3] (NM_001407696.1); c.-221_-220AG[3] (NM_001407697.1, NM_001407846.1, NM_001407920.1); and 12 more; short protein forms C24fs.
Identifiers: ClinVar variation 55667 (VCV000055667.25), dbSNP rs80357914, ClinGen allele CA003821.

ClinVar aggregate classification (germline): Pathogenic. Review status: reviewed by expert panel (3 of 4 stars). 10 submissions from 10 submitters: Pathogenic (1). 9 of the submissions do not count toward it. Last evaluated 2016-09-08.

Conditions:
Breast-ovarian cancer, familial, susceptibility to, 1 (BROVCA1). Also called: BRCA1 Hereditary Breast and Ovarian Cancer; OVARIAN CANCER, SUSCEPTIBILITY TO. Identifiers: Orphanet 145, MedGen C2676676, MONDO:0011450, OMIM 604370. Disease mechanism: loss of function.
Fanconi anemia, complementation group S (FANCS). Identifiers: MedGen C4554406, MONDO:0054748, OMIM 617883.
Pancreatic cancer, susceptibility to, 4. Identifiers: Orphanet 1333, MedGen C3280442, MONDO:0013685, OMIM 614320.
Hereditary cancer-predisposing syndrome. Also called: Hereditary Cancer Syndrome; Hereditary neoplastic syndrome; Neoplastic Syndromes, Hereditary; Tumor predisposition. Identifiers: Orphanet 140162, MedGen C0027672, MeSH D009386, MONDO:0015356.
Hereditary breast ovarian cancer syndrome. Also called: BRCA1- and BRCA2-Associated Hereditary Breast and Ovarian Cancer; Hereditary breast and ovarian cancer syndrome; Hereditary breast and ovarian cancer syndrome (HBOC); Breast and ovarian cancer; Hereditary breast and/or ovarian cancer syndrome; Hereditary breast and ovarian cancer. Identifiers: Orphanet 145, MedGen C0677776, MeSH D061325, MONDO:0003582. Disease mechanism: loss of function.

Allele frequency attached by ClinVar (database versions not stated): TOPMed 0.00010; gnomAD 0.00003; ExAC 0.00024; gnomAD exomes 0.00023.

Submissions (10):

Evidence-based Network for the Interpretation of Germline Mutant Alleles (ENIGMA)
Classification: Pathogenic for Breast-ovarian cancer, familial, susceptibility to, 1. Last evaluated: 2016-09-08. Review status: reviewed by expert panel. Criteria: ENIGMA BRCA1/2 Classification Criteria (2015). Collection method: curation. Allele origin: germline.
Comment: Variant allele predicted to encode a truncated non-functional protein.

Labcorp Genetics (formerly Invitae), Labcorp
Classification: Pathogenic for Hereditary breast ovarian cancer syndrome. Last evaluated: 2025-08-04. Review status: criteria provided, single submitter. Criteria: Invitae Variant Classification Sherloc (09022015). Collection method: clinical testing. Allele origin: germline. Not counted in ClinVar's aggregate classification.
Comment: This sequence change creates a premature translational stop signal (p.Cys24Serfs*8) in the BRCA1 gene. It is expected to result in an absent or disrupted protein product. Loss-of-function variants in BRCA1 are known to be pathogenic (PMID: 20104584). This variant is not present in population databases (gnomAD no frequency). This premature translational stop signal has been observed in individual(s) with contralateral breast cancer (PMID: 20104584). For these reasons, this variant has been classified as Pathogenic.

Ambry Genetics
Classification: Pathogenic for Hereditary cancer-predisposing syndrome. Last evaluated: 2024-08-14. Review status: criteria provided, single submitter. Criteria: Ambry Variant Classification Scheme 2023. Collection method: clinical testing. Allele origin: germline. Not counted in ClinVar's aggregate classification.
Comment: The c.68_69dupAG pathogenic mutation, located in coding exon 1 of the BRCA1 gene, results from a duplication of AG at nucleotide position 68, causing a translational frameshift with a predicted alternate stop codon (p.C24Sfs*8). This alteration has been reported in several breast cancer patients (Borg A et al. Hum. Mutat., 2010 Mar;31:E1200-40; Dean M et al. Gigascience, 2015 Nov;4:50; Quezada Urban R et al. Cancers (Basel), 2018 Sep;10:; Millan Catalan O et al. Cancers (Basel), 2019 Aug;11:). Of note, this alteration is also designated as 188insAG in published literature. This variant is considered to be rare based on population cohorts in the Genome Aggregation Database (gnomAD). In addition to the clinical data presented in the literature, this alteration is expected to result in loss of function by premature protein truncation or nonsense-mediated mRNA decay. As such, this alteration is interpreted as a disease-causing mutation.

Fulgent Genetics
Classification: Pathogenic for Breast-ovarian cancer, familial, susceptibility to, 1; Pancreatic cancer, susceptibility to, 4; Fanconi anemia, complementation group S. Last evaluated: 2024-04-25. Review status: criteria provided, single submitter. Criteria: ACMG Guidelines, 2015. Collection method: clinical testing. Allele origin: germline. Not counted in ClinVar's aggregate classification.

Quest Diagnostics Nichols Institute San Juan Capistrano
Classification: Pathogenic. Last evaluated: 2024-02-13. Review status: criteria provided, single submitter. Criteria: Quest Diagnostics criteria. Collection method: clinical testing. Allele origin: unknown. Not counted in ClinVar's aggregate classification.
Comment: The BRCA1 c.68_69dup (p.Cys24Serfs*8) variant alters the translational reading frame of the BRCA1 mRNA and causes the premature termination of BRCA1 protein synthesis. This variant has been reported in the published literature in affected individuals with breast and/or ovarian cancer (PMIDs: 20104584 (2010), 26543556 (2015), 30262796 (2018), 31454914 (2019), 35264596 (2022), and 36833268 (2023)). This variant has not been reported in large, multi-ethnic general populations (Genome Aggregation Database). Based on the available information, this variant is classified as pathogenic.

Baylor Genetics
Classification: Pathogenic for Breast-ovarian cancer, familial, susceptibility to, 1. Last evaluated: 2023-11-17. Review status: criteria provided, single submitter. Criteria: ACMG Guidelines, 2015. Collection method: clinical testing. Allele origin: unknown. Not counted in ClinVar's aggregate classification.

Women's Health and Genetics/Laboratory Corporation of America, LabCorp
Classification: Pathogenic for Hereditary breast and ovarian cancer syndrome. Last evaluated: 2019-05-23. Review status: criteria provided, single submitter. Criteria: LabCorp Variant Classification Summary - May 2015. Collection method: clinical testing. Allele origin: germline. Not counted in ClinVar's aggregate classification.
Comment: Variant summary: BRCA1 c.68_69dupAG (p.Cys24SerfsX8) results in a premature termination codon, predicted to cause a truncation of the encoded protein or absence of the protein due to nonsense mediated decay, which are commonly known mechanisms for disease. The variant was absent in 251050 control chromosomes (gnomAD). c.68_69dupAG has been reported in the literature in individuals affected with Hereditary Breast and Ovarian Cancer (Borg_2010, Dean_2015, Judkins_2005, Quezada Urban_2018). These data indicate that the variant is likely to be associated with disease. To our knowledge, no experimental evidence demonstrating an impact on protein function has been reported. Four ClinVar submitters including an expert panel (ENIGMA) (evaluation after 2014) cite the variant as pathogenic. Based on the evidence outlined above, the variant was classified as pathogenic.

GeneDx
Classification: Pathogenic. Last evaluated: 2017-02-10. Review status: criteria provided, single submitter. Criteria: GeneDx Variant Classification (06012015). Collection method: clinical testing. Allele origin: germline. Affected: yes. Not counted in ClinVar's aggregate classification.
Comment: This duplication of two nucleotides in BRCA1 is denoted c.68_69dupAG at the cDNA level and p.Cys24SerfsX8 (C24SfsX8) at the protein level. Using alternate nomenclature, this variant would also be defined as BRCA1 187_188dupAG or 69_70insAG. The normal sequence, with the bases that are duplicated in brackets, is TTAG[dupAG]TGTC. The duplication causes a frameshift which changes a Cysteine to a Serine at codon 24, and creates a premature stop codon at position 8 of the new reading frame. This variant is predicted to cause loss of normal protein function through either protein truncation or nonsense-mediated mRNA decay. BRCA1 c.68_69dupAG has been published in association with at least three cases of breast cancer (Borg 2010, Dean 2015). We consider this variant to be pathogenic.

Sharing Clinical Reports Project (SCRP)
Classification: Pathogenic for Breast-ovarian cancer, familial 1. Last evaluated: 2011-01-25. Review status: no assertion criteria provided. Collection method: clinical testing. Allele origin: germline. Not counted in ClinVar's aggregate classification.

Breast Cancer Information Core (BIC) (BRCA1)
Classification: Pathogenic for Breast-ovarian cancer, familial 1. Last evaluated: 2002-05-29. Review status: no assertion criteria provided. Collection method: clinical testing. Allele origin: germline. Affected: yes. Observed: 2 variant alleles. Not counted in ClinVar's aggregate classification.

Literature cited by the submitters: PubMed 20104584 (cited by 4 submitters); PubMed 26543556 (cited by 3 submitters); PubMed 30262796 (cited by 3 submitters); PubMed 31454914 (cited by Ambry Genetics and Quest Diagnostics Nichols Institute San Juan Capistrano); PubMed 16267036 (cited by Quest Diagnostics Nichols Institute San Juan Capistrano and Women's Health and Genetics/Laboratory Corporation of America, LabCorp); PubMed 36833268 (cited by Quest Diagnostics Nichols Institute San Juan Capistrano); PubMed 35264596 (cited by Quest Diagnostics Nichols Institute San Juan Capistrano); PubMed 26295337 (cited by Quest Diagnostics Nichols Institute San Juan Capistrano).